The following is an entry in ClinVar:

NM_013432.5(TONSL):c.1727A>C (p.Glu576Ala)

Genes: TONSL (tonsoku like, DNA repair protein; minus strand), TONSL-AS1 (TONSL antisense RNA 1; plus strand). Cytogenetic location: 8q24.3.
Variant type: single nucleotide variant.
Coding change: c.1727A>C on transcript NM_013432.5 (MANE Select); coding-DNA position 1727, A replaced by C.
Protein change: p.Glu576Ala; replaces glutamic acid 576 with alanine.
Molecular consequence: missense variant. On other transcripts: non-coding transcript variant (1).
Genome position (GRCh38, 1-based): chr8:144,436,920, T>G on the plus strand (A>C on the coding strand, the complement: TONSL is on the minus strand). VCF-style: chr8-144436920-T-G. GRCh37 (hg19) VCF-style: chr8-145662303-T-G.
Other names: short protein forms E576A.
Identifiers: ClinVar variation 1449214 (VCV001449214.5), dbSNP rs372428837, ClinGen allele CA4943062.

ClinVar aggregate classification (germline): Uncertain significance (1 of 4 stars; one submission).

Allele frequency attached by ClinVar (database versions not stated): ExAC 0.00001; gnomAD exomes 0.00002 and 0.00008; gnomAD 0.00003 and 0.00005; TOPMed 0.00004; ESP Exome Variant Server 0.00008.

Submission:

Labcorp Genetics (formerly Invitae), Labcorp
Classification: Uncertain significance. Last evaluated: 2023-11-27. Review status: criteria provided, single submitter. Criteria: Invitae Variant Classification Sherloc (09022015). Collection method: clinical testing. Allele origin: germline.
Comment: This sequence change replaces glutamic acid, which is acidic and polar, with alanine, which is neutral and non-polar, at codon 576 of the TONSL protein (p.Glu576Ala). This variant is present in population databases (rs372428837, gnomAD 0.004%). This variant has not been reported in the literature in individuals affected with TONSL-related conditions. ClinVar contains an entry for this variant (Variation ID: 1449214). An algorithm developed to predict the effect of missense changes on protein structure and function (PolyPhen-2) suggests that this variant is likely to be disruptive. In summary, the available evidence is currently insufficient to determine the role of this variant in disease. Therefore, it has been classified as a Variant of Uncertain Significance.